The following is an entry in ClinVar:

NM_000181.4(GUSB):c.643C>T (p.Gln215Ter)

Gene: GUSB (glucuronidase beta; minus strand). Cytogenetic location: 7q11.21.
Variant type: single nucleotide variant.
Coding change: c.643C>T on transcript NM_000181.4 (MANE Select); coding-DNA position 643, C replaced by T.
Protein change: p.Gln215Ter; replaces glutamine 215 with a stop codon.
Molecular consequence: nonsense. On other transcripts: non-coding transcript variant (1), intron variant (2).
Genome position (GRCh38, 1-based): chr7:65,979,480, G>A on the plus strand (C>T on the coding strand, the complement: GUSB is on the minus strand). VCF-style: chr7-65979480-G-A. GRCh37 (hg19) VCF-style: chr7-65444467-G-A.
Other names: c.73C>T, p.Gln25Ter (NM_001293104.2); c.67+744C>T (NM_001293105.2); c.474+354C>T (NM_001284290.2); short protein forms Q215*, Q25*.
Identifiers: ClinVar variation 2701335 (VCV002701335.3), dbSNP rs2484838210, ClinGen allele CA367649496.

ClinVar aggregate classification (germline): Pathogenic (1 of 4 stars; one submission).

Conditions:
Mucopolysaccharidosis type 7 (MPS7). Also called: BETA-GLUCURONIDASE DEFICIENCY; GUSB DEFICIENCY; SLY SYNDROME; MPS VII. Identifiers: Orphanet 584, MedGen C0085132, MONDO:0009662, OMIM 253220.

Submission:

Labcorp Genetics (formerly Invitae), Labcorp
Classification: Pathogenic for Mucopolysaccharidosis type 7. Last evaluated: 2023-12-06. Review status: criteria provided, single submitter. Criteria: Invitae Variant Classification Sherloc (09022015). Collection method: clinical testing. Allele origin: germline.
Comment: This sequence change creates a premature translational stop signal (p.Gln215*) in the GUSB gene. It is expected to result in an absent or disrupted protein product. Loss-of-function variants in GUSB are known to be pathogenic (PMID: 19224584). This variant is not present in population databases (gnomAD no frequency). This variant has not been reported in the literature in individuals affected with GUSB-related conditions. Algorithms developed to predict the effect of sequence changes on RNA splicing suggest that this variant may disrupt the consensus splice site. For these reasons, this variant has been classified as Pathogenic.

Literature cited by the submitters: PubMed 19224584.